The following is an entry in ClinVar:

ClinVar aggregate classification (germline): Conflicting classifications of pathogenicity. Review status: criteria provided, conflicting classifications (1 of 4 stars). 2 submissions from 2 submitters: Uncertain significance (1); Likely benign (1). Last evaluated 2025-08-06.

Conditions:
Hereditary cancer-predisposing syndrome. Also called: Neoplastic Syndromes, Hereditary; Hereditary Cancer Syndrome; Tumor predisposition; Hereditary neoplastic syndrome. Identifiers: Orphanet 140162, MedGen C0027672, MeSH D009386, MONDO:0015356.

Allele frequency attached by ClinVar (database versions not stated): gnomAD exomes below 0.00001; ExAC 0.00001.

Submissions (2):

Labcorp Genetics (formerly Invitae), Labcorp
Classification: Uncertain significance. Last evaluated: 2025-08-06. Review status: criteria provided, single submitter. Criteria: Invitae Variant Classification Sherloc (09022015). Collection method: clinical testing. Allele origin: germline.
Comment: This sequence change replaces methionine, which is neutral and non-polar, with valine, which is neutral and non-polar, at codon 1393 of the POLE protein (p.Met1393Val). This variant is present in population databases (rs747294604, gnomAD 0.006%). This variant has not been reported in the literature in individuals affected with POLE-related conditions. ClinVar contains an entry for this variant (Variation ID: 573295). Invitae Evidence Modeling of protein sequence and biophysical properties (such as structural, functional, and spatial information, amino acid conservation, physicochemical variation, residue mobility, and thermodynamic stability) indicates that this missense variant is not expected to disrupt POLE protein function with a negative predictive value of 80%. In summary, the available evidence is currently insufficient to determine the role of this variant in disease. Therefore, it has been classified as a Variant of Uncertain Significance.

Ambry Genetics
Classification: Likely benign for Hereditary cancer-predisposing syndrome. Last evaluated: 2021-08-16. Review status: criteria provided, single submitter. Criteria: Ambry Variant Classification Scheme 2023. Collection method: clinical testing. Allele origin: germline.

NM_006231.4(POLE):c.4177A>G (p.Met1393Val)

Gene: POLE (DNA polymerase epsilon, catalytic subunit; minus strand). Cytogenetic location: 12q24.33.
Variant type: single nucleotide variant.
Coding change: c.4177A>G on transcript NM_006231.4 (MANE Select); coding-DNA position 4177, A replaced by G.
Protein change: p.Met1393Val; replaces methionine 1393 with valine.
Molecular consequence: missense variant.
Genome position (GRCh38, 1-based): chr12:132,643,950, T>C on the plus strand (A>G on the coding strand, the complement: POLE is on the minus strand). VCF-style: chr12-132643950-T-C. GRCh37 (hg19) VCF-style: chr12-133220536-T-C.
Other names: short protein forms M1393V.
Identifiers: ClinVar variation 573295 (VCV000573295.11), dbSNP rs747294604, ClinGen allele CA6892954.